The following is an entry in ClinVar:

ClinVar aggregate classification (germline): Uncertain significance. Review status: criteria provided, multiple submitters, no conflicts (2 of 4 stars). 2 submissions from 2 submitters: Uncertain significance (2). Last evaluated 2025-04-29.

Conditions:
KBG syndrome (KBGS). Also called: ANKRD11-Related KBG Syndrome. Identifiers: Orphanet 2332, MedGen C0220687, MONDO:0007846, OMIM 148050.

Allele frequency attached by ClinVar (database versions not stated): TOPMed below 0.00001.

Submissions (2):

GeneDx
Classification: Uncertain significance. Last evaluated: 2025-04-29. Review status: criteria provided, single submitter. Criteria: GeneDx Variant Classification Process June 2021. Collection method: clinical testing. Allele origin: germline.
Comment: Not observed at significant frequency in large population cohorts (gnomAD); In silico analysis supports that this missense variant does not alter protein structure/function; Has not been previously published as pathogenic or benign to our knowledge

Labcorp Genetics (formerly Invitae), Labcorp
Classification: Uncertain significance for KBG syndrome. Last evaluated: 2023-12-13. Review status: criteria provided, single submitter. Criteria: Invitae Variant Classification Sherloc (09022015). Collection method: clinical testing. Allele origin: germline.
Comment: This sequence change replaces serine, which is neutral and polar, with isoleucine, which is neutral and non-polar, at codon 929 of the ANKRD11 protein (p.Ser929Ile). This variant is not present in population databases (gnomAD no frequency). This variant has not been reported in the literature in individuals affected with ANKRD11-related conditions. Advanced modeling of protein sequence and biophysical properties (such as structural, functional, and spatial information, amino acid conservation, physicochemical variation, residue mobility, and thermodynamic stability) performed at Invitae indicates that this missense variant is not expected to disrupt ANKRD11 protein function with a negative predictive value of 95%. In summary, the available evidence is currently insufficient to determine the role of this variant in disease. Therefore, it has been classified as a Variant of Uncertain Significance.

NM_013275.6(ANKRD11):c.2786G>T (p.Ser929Ile)

Gene: ANKRD11 (ankyrin repeat domain 11; minus strand). Cytogenetic location: 16q24.3.
Variant type: single nucleotide variant.
Coding change: c.2786G>T on transcript NM_013275.6 (MANE Select); coding-DNA position 2786, G replaced by T.
Protein change: p.Ser929Ile; replaces serine 929 with isoleucine.
Molecular consequence: missense variant.
Genome position (GRCh38, 1-based): chr16:89,283,756, C>A on the plus strand (G>T on the coding strand, the complement: ANKRD11 is on the minus strand). VCF-style: chr16-89283756-C-A. GRCh37 (hg19) VCF-style: chr16-89350164-C-A.
Other names: c.2786G>T, p.Ser929Ile (NM_001256182.2, NM_001256183.2); c.2786G>T (NM_013275.5); short protein forms S929I.
Identifiers: ClinVar variation 2973578 (VCV002973578.5), dbSNP rs763597037, ClinGen allele CA286518886.